The following is an entry in ClinVar:

NM_002471.4(MYH6):c.1531T>C (p.Phe511Leu)

Gene: MYH6 (myosin heavy chain 6; minus strand). Cytogenetic location: 14q11.2.
Variant type: single nucleotide variant.
Coding change: c.1531T>C on transcript NM_002471.4 (MANE Select); coding-DNA position 1531, T replaced by C.
Protein change: p.Phe511Leu; replaces phenylalanine 511 with leucine.
Molecular consequence: missense variant.
Genome position (GRCh38, 1-based): chr14:23,400,306, A>G on the plus strand (T>C on the coding strand, the complement: MYH6 is on the minus strand). VCF-style: chr14-23400306-A-G. GRCh37 (hg19) VCF-style: chr14-23869515-A-G.
Other names: short protein forms F511L.
Identifiers: ClinVar variation 641670 (VCV000641670.10), dbSNP rs1319467982, ClinGen allele CA389022447.

ClinVar aggregate classification (germline): Uncertain significance. Review status: criteria provided, multiple submitters, no conflicts (2 of 4 stars). 2 submissions from 2 submitters: Uncertain significance (2). Last evaluated 2026-01-05.

Conditions:
Cardiovascular phenotype. Identifiers: MedGen CN230736.
Hypertrophic cardiomyopathy 14. Identifiers: MedGen C2750467, MONDO:0013197, OMIM 613251.

Allele frequency attached by ClinVar (database versions not stated): TOPMed below 0.00001; gnomAD 0.00001.
gnomAD v4.1: 1 of 1,614,080 alleles (0.000062%); highest among the groups gnomAD compares: Admixed American, 0.0017%; no homozygotes.

Submissions (2):

Labcorp Genetics (formerly Invitae), Labcorp
Classification: Uncertain significance for Hypertrophic cardiomyopathy 14. Last evaluated: 2026-01-05. Review status: criteria provided, single submitter. Criteria: Invitae Variant Classification Sherloc (09022015). Collection method: clinical testing. Allele origin: germline.
Comment: This sequence change replaces phenylalanine, which is neutral and non-polar, with leucine, which is neutral and non-polar, at codon 511 of the MYH6 protein (p.Phe511Leu). This variant is present in population databases (no rsID available, gnomAD 0.01%). This variant has not been reported in the literature in individuals affected with MYH6-related conditions. ClinVar contains an entry for this variant (Variation ID: 641670). Invitae Evidence Modeling of protein sequence and biophysical properties (such as structural, functional, and spatial information, amino acid conservation, physicochemical variation, residue mobility, and thermodynamic stability) indicates that this missense variant is expected to disrupt MYH6 protein function with a positive predictive value of 80%. In summary, the available evidence is currently insufficient to determine the role of this variant in disease. Therefore, it has been classified as a Variant of Uncertain Significance.

Ambry Genetics
Classification: Uncertain significance for Cardiovascular phenotype. Last evaluated: 2022-06-27. Review status: criteria provided, single submitter. Criteria: Ambry Variant Classification Scheme 2023. Collection method: clinical testing. Allele origin: germline.
Comment: The p.F511L variant (also known as c.1531T>C), located in coding exon 12 of the MYH6 gene, results from a T to C substitution at nucleotide position 1531. The phenylalanine at codon 511 is replaced by leucine, an amino acid with highly similar properties. This amino acid position is conserved. In addition, this alteration is predicted to be deleterious by in silico analysis. Since supporting evidence is limited at this time, the clinical significance of this alteration remains unclear.